The following is an entry in ClinVar:

NM_002693.3(POLG):c.3625A>G (p.Arg1209Gly)

Gene: POLG (DNA polymerase gamma, catalytic subunit; minus strand). Cytogenetic location: 15q26.1.
Variant type: single nucleotide variant.
Coding change: c.3625A>G on transcript NM_002693.3 (MANE Select); coding-DNA position 3625, A replaced by G.
Protein change: p.Arg1209Gly; replaces arginine 1209 with glycine.
Molecular consequence: missense variant.
Genome position (GRCh38, 1-based): chr15:89,317,394, T>C on the plus strand (A>G on the coding strand, the complement: POLG is on the minus strand). VCF-style: chr15-89317394-T-C. GRCh37 (hg19) VCF-style: chr15-89860625-T-C.
Other names: c.3625A>G, p.Arg1209Gly (NM_001126131.2); short protein forms R1209G.
Identifiers: ClinVar variation 934329 (VCV000934329.10), dbSNP rs2055307966, ClinGen allele CA393747253.

ClinVar aggregate classification (germline): Uncertain significance (1 of 4 stars; one submission).

Conditions:
Progressive sclerosing poliodystrophy (MTDPS4A). Also called: NEURONAL DEGENERATION OF CHILDHOOD WITH LIVER DISEASE, PROGRESSIVE; ALPERS PROGRESSIVE INFANTILE POLIODYSTROPHY; Mitochondrial DNA Depletion Syndrome 4A; Alpers-Huttenlocher Syndrome (AHS); Alpers Syndrome; ALPERS DIFFUSE DEGENERATION OF CEREBRAL GRAY MATTER WITH HEPATIC CIRRHOSIS. Identifiers: Orphanet 726, MedGen C0205710, MONDO:0008758, OMIM 203700.

Submission:

Labcorp Genetics (formerly Invitae), Labcorp
Classification: Uncertain significance for Progressive sclerosing poliodystrophy. Last evaluated: 2020-05-26. Review status: criteria provided, single submitter. Criteria: Invitae Variant Classification Sherloc (09022015). Collection method: clinical testing. Allele origin: germline.
Comment: This variant has not been reported in the literature in individuals with POLG-related conditions. This variant is not present in population databases (ExAC no frequency). This sequence change replaces arginine with glycine at codon 1209 of the POLG protein (p.Arg1209Gly). The arginine residue is moderately conserved and there is a moderate physicochemical difference between arginine and glycine. In summary, the available evidence is currently insufficient to determine the role of this variant in disease. Therefore, it has been classified as a Variant of Uncertain Significance. Algorithms developed to predict the effect of missense changes on protein structure and function (SIFT, PolyPhen-2, Align-GVGD) all suggest that this variant is likely to be tolerated, but these predictions have not been confirmed by published functional studies and their clinical significance is uncertain.